The following is an entry in ClinVar:

ClinVar aggregate classification (germline): Likely benign. Review status: criteria provided, single submitter (1 of 4 stars). 2 submissions from 2 submitters: Likely benign (1). 1 of the submissions does not count toward it. Last evaluated 2024-11-25.

Conditions:
GIGYF2-related disorder. Also called: GIGYF2-related condition.

Submissions (2):

Blueprint Genetics
Classification: Likely benign. Last evaluated: 2024-11-25. Review status: criteria provided, single submitter. Criteria: ACMG Guidelines, 2015. Collection method: clinical testing. Allele origin: germline.

PreventionGenetics, part of Exact Sciences
Classification: Likely benign for GIGYF2-related condition. Last evaluated: 2019-03-21. Review status: no assertion criteria provided. Collection method: clinical testing. Allele origin: germline. Not counted in ClinVar's aggregate classification.
Comment: This variant is classified as likely benign based on ACMG/AMP sequence variant interpretation guidelines (Richards et al. 2015 PMID: 25741868, with internal and published modifications).

NM_001103146.3(GIGYF2):c.268-11_268-6del

Gene: GIGYF2 (GRB10 interacting GYF protein 2; plus strand). Cytogenetic location: 2q37.1.
Variant type: Deletion.
Coding change: c.268-11_268-6del on transcript NM_001103146.3 (MANE Select); 11 bases into the intron before coding-DNA position 268 through 6 bases into the intron before coding-DNA position 268, 6 bases deleted (TTTTTT; older notation c.268-11_268-6delTTTTTT).
Molecular consequence: intron variant.
Genome position (GRCh38, 1-based): chr2:232,756,212-232,756,217, TTTTTT deleted; deleting any 6 consecutive bases within chr2:232,756,198-232,756,217 gives the same sequence; the c. name uses the placement nearest the transcript's 3' end. VCF-style (leftmost placement, unchanged base first): chr2-232756197-CTTTTTT-C. GRCh37 (hg19) VCF-style: chr2-233620907-CTTTTTT-C.
Other names: c.268-11_268-6del (NM_015575.4, NM_001103147.2, NM_001103148.2).
Identifiers: ClinVar variation 3044764 (VCV003044764.3), dbSNP rs759525243, ClinGen allele CA2169825.